The following is an entry in ClinVar:

ClinVar aggregate classification (germline): Likely benign (1 of 4 stars; one submission).

gnomAD v4.1: 131 of 1,606,928 alleles (0.0082%); highest among the groups gnomAD compares: East Asian, 0.018%; no homozygotes.

Submission:

CeGaT Center for Human Genetics Tuebingen
Classification: Likely benign. Last evaluated: 2026-06-01. Review status: criteria provided, single submitter. Criteria: CeGaT Center For Human Genetics Tuebingen Variant Classification Criteria Version 2. Collection method: clinical testing. Allele origin: germline. Affected: yes. Observed: 1 variant allele.
Comment: NADSYN1: BP4, BP7

NM_018161.5(NADSYN1):c.2109C>T (p.Asp703=)

Gene: NADSYN1 (NAD synthetase 1; plus strand). Cytogenetic location: 11q13.4.
Variant type: single nucleotide variant.
Coding change: c.2109C>T on transcript NM_018161.5 (MANE Select); coding-DNA position 2109, C replaced by T.
Protein change: p.Asp703=; no amino-acid change (aspartic acid 703 retained).
Molecular consequence: synonymous variant.
Genome position (GRCh38, 1-based): chr11:71,501,340, C>T. VCF-style: chr11-71501340-C-T. GRCh37 (hg19) VCF-style: chr11-71212386-C-T.
Identifiers: ClinVar variation 4872194 (VCV004872194.2).